The following is an entry in ClinVar:

ClinVar aggregate classification (germline): Uncertain significance. Review status: criteria provided, multiple submitters, no conflicts (2 of 4 stars). 2 submissions from 2 submitters: Uncertain significance (2). Last evaluated 2024-12-19.

gnomAD v4.1: 99 of 1,613,758 alleles (0.0061%); highest among the groups gnomAD compares: Middle Eastern, 0.016%; no homozygotes.

Submissions (2):

GeneDx
Classification: Uncertain significance. Last evaluated: 2024-12-19. Review status: criteria provided, single submitter. Criteria: GeneDx Variant Classification Process June 2021. Collection method: clinical testing. Allele origin: germline. Affected: yes.
Comment: In silico analysis indicates that this missense variant does not alter protein structure/function; Has not been previously published as pathogenic or benign to our knowledge

Blueprint Genetics
Classification: Uncertain significance. Last evaluated: 2024-05-27. Review status: criteria provided, single submitter. Criteria: ACMG Guidelines, 2015. Collection method: clinical testing. Allele origin: germline.

NM_001379081.2(FREM1):c.391G>C (p.Asp131His)

Gene: FREM1 (FRAS1 related extracellular matrix 1; minus strand). Cytogenetic location: 9p22.3.
Variant type: single nucleotide variant.
Coding change: c.391G>C on transcript NM_001379081.2 (MANE Select); coding-DNA position 391, G replaced by C.
Protein change: p.Asp131His; replaces aspartic acid 131 with histidine.
Molecular consequence: missense variant. On other transcripts: non-coding transcript variant (4).
Genome position (GRCh38, 1-based): chr9:14,859,423, C>G on the plus strand (G>C on the coding strand, the complement: FREM1 is on the minus strand). VCF-style: chr9-14859423-C-G. GRCh37 (hg19) VCF-style: chr9-14859421-C-G.
Other names: c.391G>C, p.Asp131His (NM_001370060.1, NM_001370063.1, NM_001370065.1 and 1 more transcripts); short protein forms D131H.
Identifiers: ClinVar variation 3906360 (VCV003906360.2).